The following is an entry in ClinVar:

ClinVar aggregate classification (germline): Uncertain significance (1 of 4 stars; one submission).

Conditions:
OPA1-related optic atrophy.

Submission:

Dasa
Classification: Uncertain significance for OPA1-related optic atrophy. Last evaluated: 2025-07-18. Review status: criteria provided, single submitter. Criteria: DASA Assertion Criteria. Collection method: clinical testing. Allele origin: germline.
Comment: NM_130837.3(OPA1):c.2584G>C (p.Ala862Pro) is a missense variant that results in the substitution of alanine with proline. This variant is absent from population databases. The currently available literature and clinical evidence are not sufficient to establish a definitive association between this variant and the reported condition. Therefore, this variant is classified as a variant of uncertain significance.

NM_130837.3(OPA1):c.2584G>C (p.Ala862Pro)

Gene: OPA1 (OPA1 mitochondrial dynamin like GTPase; plus strand). Cytogenetic location: 3q29.
Variant type: single nucleotide variant.
Coding change: c.2584G>C on transcript NM_130837.3 (MANE Select); coding-DNA position 2584, G replaced by C.
Protein change: p.Ala862Pro; replaces alanine 862 with proline.
Molecular consequence: missense variant.
Genome position (GRCh38, 1-based): chr3:193,662,885, G>C. VCF-style: chr3-193662885-G-C. GRCh37 (hg19) VCF-style: chr3-193380674-G-C.
Other names: c.2311G>C, p.Ala771Pro (NM_130831.3); c.2365G>C, p.Ala789Pro (NM_130832.3); c.2422G>C, p.Ala808Pro (NM_130833.3); c.2473G>C, p.Ala825Pro (NM_130834.3); c.2476G>C, p.Ala826Pro (NM_130835.3); c.2530G>C, p.Ala844Pro (NM_130836.3); c.2050G>C, p.Ala684Pro (NM_001354663.2); c.2047G>C, p.Ala683Pro (NM_001354664.2); and 1 more; short protein forms A683P, A684P, A771P, A789P, A807P, A808P, A825P, A826P.
Identifiers: ClinVar variation 4882120 (VCV004882120.2).